The following is an entry in ClinVar:

NM_001170629.2(CHD8):c.3766C>T (p.Arg1256Cys)

Gene: CHD8 (chromodomain helicase DNA binding protein 8; minus strand). Cytogenetic location: 14q11.2.
Variant type: single nucleotide variant.
Coding change: c.3766C>T on transcript NM_001170629.2 (MANE Select); coding-DNA position 3766, C replaced by T.
Protein change: p.Arg1256Cys; replaces arginine 1256 with cysteine.
Molecular consequence: missense variant.
Genome position (GRCh38, 1-based): chr14:21,402,452, G>A on the plus strand (C>T on the coding strand, the complement: CHD8 is on the minus strand). VCF-style: chr14-21402452-G-A. GRCh37 (hg19) VCF-style: chr14-21870611-G-A.
Other names: c.3766C>T (NM_001170629.1); c.2929C>T, p.Arg977Cys (NM_020920.4); short protein forms R1256C, R977C.
Identifiers: ClinVar variation 3602581 (VCV003602581.3).

ClinVar aggregate classification (germline): Uncertain significance. Review status: criteria provided, multiple submitters, no conflicts (2 of 4 stars). 2 submissions from 2 submitters: Uncertain significance (2). Last evaluated 2026-04-24.

Conditions:
Intellectual developmental disorder with autism and macrocephaly. Also called: Autism, susceptibility to, 18; CHD8-Related Neurodevelopmental Disorder with Overgrowth. Identifiers: Orphanet 642675, MedGen C3554373, MONDO:0014017, OMIM 615032.

Submissions (2):

GeneDx
Classification: Uncertain significance. Last evaluated: 2026-04-24. Review status: criteria provided, single submitter. Criteria: GeneDx Variant Classification Process June 2021. Collection method: clinical testing. Allele origin: germline.
Comment: Reported previously as a heterozygous variant of uncertain significance in a patient with borderline intellectual disability, ADHD, psychosis, mild motor and language impairment, hippocampal malrotation seen on MRI, absence and generalized seizures, and eyelid myoclonia (PMID: 37584565); Not observed at significant frequency in large population cohorts (gnomAD); In silico analysis supports that this missense variant has a deleterious effect on protein structure/function; This variant is associated with the following publications: (PMID: 37584565)

Clinical Genomics Laboratory, Washington University in St. Louis
Classification: Uncertain significance for Intellectual developmental disorder with autism and macrocephaly. Last evaluated: 2024-01-03. Review status: criteria provided, single submitter. Criteria: ACMG Guidelines, 2015. Collection method: clinical testing. Allele origin: germline.
Comment: The CHD8 c.3766C>T (p.Arg1256Cys) variant, to our knowledge, has not been reported in the medical literature or in the ClinVar database. This variant is absent from the general population (gnomAD v.2.1.1), indicating it is not a common variant. This variant resides within the helicase C-terminal domain, amino acids 1137-1288, of CHD8 that is defined as a critical functional domain (An Y et al., PMID: 31980904). Computational predictors indicate that the variant is damaging, evidence that correlates with impact to CHD8 function. Due to limited information, and based on ACMG/AMP guidelines for variant interpretation (Richards S et al., PMID: 25741868), the clinical significance of this variant is uncertain at this time.